The following is an entry in ClinVar:

NM_000141.5(FGFR2):c.833G>T (p.Cys278Phe)

Gene: FGFR2 (fibroblast growth factor receptor 2; minus strand). Cytogenetic location: 10q26.13.
Variant type: single nucleotide variant.
Coding change: c.833G>T on transcript NM_000141.5 (MANE Select); coding-DNA position 833, G replaced by T.
Protein change: p.Cys278Phe; replaces cysteine 278 with phenylalanine.
Molecular consequence: missense variant. On other transcripts: non-coding transcript variant (1), intron variant (1).
Genome position (GRCh38, 1-based): chr10:121,520,085, C>A on the plus strand (G>T on the coding strand, the complement: FGFR2 is on the minus strand). VCF-style: chr10-121520085-C-A. GRCh37 (hg19) VCF-style: chr10-123279599-C-A.
Other names: c.833G>T, p.Cys278Phe (NM_001144913.1, NM_001144917.2, NM_001320658.2 and 1 more transcripts); c.566G>T, p.Cys189Phe (NM_001144915.2, NM_001144919.2, NM_023029.3); c.488G>T, p.Cys163Phe (NM_001144916.2, NM_001144918.2); c.149G>T, p.Cys50Phe (NM_001320654.2); c.749-4766G>T (NM_001144914.1); short protein forms C278F, C50F, C163F, C189F.
Identifiers: ClinVar variation 265431 (VCV000265431.49), dbSNP rs776587763, ClinGen allele CA5720987.

ClinVar aggregate classification (germline): Pathogenic. Review status: criteria provided, multiple submitters, no conflicts (2 of 4 stars). 11 submissions from 11 submitters: Pathogenic (10). 1 of the submissions does not count toward it. Last evaluated 2026-01-25.

Conditions:
FGFR2-related disorder. Identifiers: MedGen CN380096.
FGFR2-related craniosynostosis. Identifiers: MedGen CN231480.
Crouzon syndrome. Also called: Craniofacial dysostosis; CRANIOFACIAL DYSOSTOSIS, TYPE I; Craniofacial dysostosis type 1; Crouzon craniofacial dysostosis; Crouzon disease. Identifiers: Orphanet 207, MedGen C0010273, MeSH D003394, MONDO:0007405, OMIM 123500, HP:0004439.
Pfeiffer syndrome (ACS5). Also called: ACS V. Identifiers: Orphanet 710, MedGen C0220658, MONDO:0007043, OMIM 101600.

Allele frequency attached by ClinVar (database versions not stated): ExAC 0.00001.
gnomAD v4.1: 1 of 1,614,242 alleles (0.000062%); highest among the groups gnomAD compares: Non-Finnish European, 0.000085%; no homozygotes.

Submissions (11):

Labcorp Genetics (formerly Invitae), Labcorp
Classification: Pathogenic for FGFR2-related craniosynostosis. Last evaluated: 2026-01-25. Review status: criteria provided, single submitter. Criteria: Invitae Variant Classification Sherloc (09022015). Collection method: clinical testing. Allele origin: germline.
Comment: This sequence change replaces cysteine, which is neutral and slightly polar, with phenylalanine, which is neutral and non-polar, at codon 278 of the FGFR2 protein (p.Cys278Phe). This variant is present in population databases (rs776587763, gnomAD 0.0009%). This missense change has been observed in individual(s) with Pfeiffer syndrome or multisuture craniosynostosis (PMID: 7655462, 10874645, 23348274, 24127277, 25361936). In at least one individual the variant was observed to be de novo. ClinVar contains an entry for this variant (Variation ID: 265431). Invitae Evidence Modeling of protein sequence and biophysical properties (such as structural, functional, and spatial information, amino acid conservation, physicochemical variation, residue mobility, and thermodynamic stability) indicates that this missense variant is expected to disrupt FGFR2 protein function with a positive predictive value of 80%. For these reasons, this variant has been classified as Pathogenic.

3billion
Classification: Pathogenic for Pfeiffer syndrome. Last evaluated: 2025-09-25. Review status: criteria provided, single submitter. Criteria: ACMG Guidelines, 2015. Collection method: clinical testing. Allele origin: germline. Affected: yes.
Comment: The variant is observed at an extremely low frequency in the gnomAD v4.1.0 dataset (total allele frequency: <0.001%). Predicted Consequence/Location: The variant is located in a mutational hot spot and/or well-established functional domain in which established pathogenic variants have been reported. Missense variant. Missense changes are a common disease-causing mechanism. In silico tool predictions suggest damaging effect of the variant on gene or gene product [REVEL: 0.98 (>=0.6, sensitivity 0.68 and specificity 0.92); 3Cnet: 0.99 (> 0.75, sensitivity 0.96 and precision 0.92)]. The same nucleotide change resulting in the same amino acid change has been previously reported as pathogenic/likely pathogenic with strong evidence (ClinVar ID: VCV000265431 /PMID: 7655462). The variant has been previously reported as de novo in a similarly affected individual (PMID: 10874645). The variant has been observed in multiple (>3) similarly affected unrelated individuals (PMID: 10874645, 23348274, 7655462). The variant has been previously reported as assumed (i.e. paternity and maternity not confirmed) de novo in at least two similarly affected unrelated individuals (PMID: 23348274, 7655462). Different missense changes at the same codon (p.Cys278Leu, p.Cys278Trp, p.Cys278Tyr) have been reported as pathogenic/likely pathogenic with strong evidence (ClinVar ID: VCV000374810, VCV000544302, VCV000871445 /PMID: 11173845, 21189955). Therefore, this variant is classified as Pathogenic according to the recommendation of ACMG/AMP guideline.

CeGaT Center for Human Genetics Tuebingen
Classification: Pathogenic. Last evaluated: 2024-08-01. Review status: criteria provided, single submitter. Criteria: CeGaT Center For Human Genetics Tuebingen Variant Classification Criteria Version 2. Collection method: clinical testing. Allele origin: germline. Affected: yes. Observed: 1 variant allele.
Comment: FGFR2: PP1:Strong, PS2, PM1, PS4:Moderate, PP3

GeneDx
Classification: Pathogenic. Last evaluated: 2021-10-27. Review status: criteria provided, single submitter. Criteria: GeneDx Variant Classification Process June 2021. Collection method: clinical testing. Allele origin: germline. Affected: yes.
Comment: Published functional studies demonstrate a gain of function effect (Li et al., 2013); Not observed at a significant frequency in large population cohorts (gnomAD); In silico analysis, which includes protein predictors and evolutionary conservation, supports a deleterious effect; This variant is associated with the following publications: (PMID: 23754559, 12884424, 24127277, 23906837, 16844695, 23348274, 25361936, 7655462, 20004243, 10874645, 11596961, 27228464, 28849010, 21686735, 32005694, 31837199, 32410215, 33502061)

Seattle Children's Hospital Molecular Genetics Laboratory, Seattle Children's Hospital
Classification: Pathogenic. Last evaluated: 2020-08-10. Review status: criteria provided, single submitter. Criteria: ACMG Guidelines, 2015. Collection method: clinical testing. Allele origin: germline. Affected: yes.
Comment: The p.Cys278Phe variant is a recurrent pathogenic variant and is one of the most commonly detected variants in individuals with Crouzon syndrome (PMID: 7655462, 25361936, 24127277 and others). The same variant has been reported in individuals with Pfeiffer syndrome, multisuture craniosynostosis, and in an individual with Crouzon syndrome with a tracheal cartilaginous sleeve (PMID: 24127277, 10874645, 27228464). The FGFR2 p.Cys278Phe variant has been found to be a de novo change in some individuals, and has also been demonstrated to segregate with the phenotype in families with multiple affected members (PMID: 7655462). This variant has been observed in a single individual in the Genome Aggregation Database (1 of 251,442 alleles; v2.1.1).

Blueprint Genetics
Classification: Pathogenic for FGFR2-related disorders. Last evaluated: 2020-08-03. Review status: criteria provided, single submitter. Criteria: ACMG Guidelines, 2015. Collection method: clinical testing. Allele origin: germline. Affected: yes. Observed: 3 variant alleles.

Foundation for Research in Genetics and Endocrinology, FRIGE's Institute of Human Genetics
Classification: Pathogenic for Crouzon syndrome. Last evaluated: 2019-06-24. Review status: criteria provided, single submitter. Criteria: ACMG Guidelines, 2015. Collection method: clinical testing. Allele origin: unknown. Inheritance: Autosomal dominant inheritance. Affected: yes. Observed: 1 heterozygote.
Comment: A heterozygous missense variant in exon 7 of the FGFR2 gene that results in the amino acid substitution of Phenylalanine for Cystine at codon 278 was detected. The observed variation lies in the immunoglobuline set domain of the FGFR2 protein and has previously been reported in patients affected with Crouzon syndrome and functional studies show the pathogenic affect of the observed variant (Li et al. Hum Mol Genet 2013). The variant has not been reported in the 1000 genomes database and has allele frequency of 0.001% in ExAC database. In silico predictions show possibly damaging by PolyPhen-2 and damaging by SIFT, LRT and MutationTaster. In summary, the said variant meets our criteria to be classified as uncertain significance based on the mode of inheritance, in silico prediction and allele frequency in population databases.

Genomic Diagnostic Laboratory, Division of Genomic Diagnostics, Children's Hospital of Philadelphia
Classification: Pathogenic for Pfeiffer syndrome. Last evaluated: 2016-09-17. Review status: criteria provided, single submitter. Criteria: DGD Variant Analysis Guidelines. Collection method: clinical testing. Allele origin: germline. Affected: yes. Observed: 6 variant alleles.
Comment: Clinical Testing

Department of Medical Genetics, Oslo University Hospital
Classification: Pathogenic for Crouzon syndrome. Last evaluated: 2009-11-12. Review status: criteria provided, single submitter. Criteria: ACMG Guidelines, 2015. Collection method: clinical testing. Allele origin: germline. Affected: yes. Observed: 1 variant allele, 1 heterozygote.

Kasturba Medical College, Manipal, Kasturba Medical College, Manipal, Manipal Academy of Higher Education, Manipal, India
Classification: Pathogenic for FGFR2 related craniosynostosis. Review status: criteria provided, single submitter. Criteria: ACMG Guidelines, 2015. Collection method: clinical testing. Allele origin: de novo. Inheritance: Autosomal dominant inheritance. Affected: yes. Observed: 1 heterozygote.

PreventionGenetics, part of Exact Sciences
Classification: Pathogenic for FGFR2-related condition. Last evaluated: 2024-08-06. Review status: no assertion criteria provided. Collection method: clinical testing. Allele origin: germline. Not counted in ClinVar's aggregate classification.
Comment: The FGFR2 c.833G>T variant is predicted to result in the amino acid substitution p.Cys278Phe. This variant has been previously reported, as a recurrent de novo or inherited, in individuals with Crouzon syndrome or other FGFR2-related disorder(s) (see, for example, Oldridge et al. 1995. PubMed ID: 7655462; Steinberger et al. 1999. PubMed ID: 10874645; Chokdeemboon et al. 2013. PubMed ID: 23348274; Roscioli et al. 2013. PubMed ID: 24127277; Sagong et al. 2014. PubMed ID: 25361936; Dong et al. 2020. PubMed ID: 32005694; Li et al. 2020. PubMed ID: 32410215). This variant is reported in 0.00088% of alleles in individuals of European (Non-Finnish) descent in gnomAD (one heterozygous allele). This variant is interpreted as pathogenic.

Literature cited by the submitters: PubMed 7655462 (cited by Labcorp Genetics (formerly Invitae), Labcorp and 3billion); PubMed 10874645 (cited by Labcorp Genetics (formerly Invitae), Labcorp and 3billion); PubMed 23348274 (cited by Labcorp Genetics (formerly Invitae), Labcorp and 3billion); PubMed 24127277 (cited by Labcorp Genetics (formerly Invitae), Labcorp); PubMed 25361936 (cited by Labcorp Genetics (formerly Invitae), Labcorp and Kasturba Medical College, Manipal, Kasturba Medical College, Manipal, Manipal Academy of Higher Education, Manipal, India); PubMed 11173845 (cited by 3billion).